The following is an entry in ClinVar:

NC_000003.11:g.(?_10094051)_(10109021_?)dup

Gene: FANCD2 (FA complementation group D2; plus strand). Cytogenetic location: 3p25.3.
Variant type: Duplication.
Identifiers: ClinVar variation 3246824 (VCV003246824.1).

ClinVar aggregate classification (germline): Likely pathogenic (1 of 4 stars; one submission).

Conditions:
Fanconi anemia (FA). Also called: Fanconi's anemia. Identifiers: Orphanet 84, MedGen C0015625, MeSH D005199, MONDO:0019391.

Submission:

Labcorp Genetics (formerly Invitae), Labcorp
Classification: Likely pathogenic for Fanconi anemia. Last evaluated: 2023-12-13. Review status: criteria provided, single submitter. Criteria: Invitae Variant Classification Sherloc (09022015). Collection method: clinical testing. Allele origin: unknown.
Comment: This variant results in a copy number gain of the genomic region encompassing exon(s) 18-26 of the FANCD2 gene. While the exact position of this variant cannot be determined from the data, sub-genic copy number gains are generally in tandem (PMID: 25640679). This variant is predicted to be out-of-frame, and may result in an absent or disrupted protein product. Loss-of-function variants in FANCD2 are known to be pathogenic (PMID: 17436244). This variant has not been reported in the literature in individuals affected with FANCD2-related conditions. In summary, the currently available evidence indicates that the variant is pathogenic, but additional data are needed to prove that conclusively. Therefore, this variant has been classified as Likely Pathogenic.

Literature cited by the submitters: PubMed 25640679; PubMed 17436244.